The following is an entry in ClinVar:

NM_153252.5(BRWD3):c.331+6A>T

Gene: BRWD3 (bromodomain and WD repeat domain containing 3; minus strand). Cytogenetic location: Xq21.1.
Variant type: single nucleotide variant.
Coding change: c.331+6A>T on transcript NM_153252.5 (MANE Select); 6 bases into the intron after coding-DNA position 331, A replaced by T.
Molecular consequence: intron variant.
Genome position (GRCh38, 1-based): chrX:80,793,616, T>A on the plus strand (A>T on the coding strand, the complement: BRWD3 is on the minus strand). VCF-style: chrX-80793616-T-A. GRCh37 (hg19) VCF-style: chrX-80049115-T-A.
Identifiers: ClinVar variation 3728184 (VCV003728184.2).

ClinVar aggregate classification (germline): Uncertain significance (1 of 4 stars; one submission).

Submission:

Labcorp Genetics (formerly Invitae), Labcorp
Classification: Uncertain significance. Last evaluated: 2024-12-28. Review status: criteria provided, single submitter. Criteria: Invitae Variant Classification Sherloc (09022015). Collection method: clinical testing. Allele origin: germline.
Comment: This sequence change falls in intron 5 of the BRWD3 gene. It does not directly change the encoded amino acid sequence of the BRWD3 protein. It affects a nucleotide within the consensus splice site. This variant is not present in population databases (gnomAD no frequency). This variant has not been reported in the literature in individuals affected with BRWD3-related conditions. Variants that disrupt the consensus splice site are a relatively common cause of aberrant splicing (PMID: 17576681, 9536098). Algorithms developed to predict the effect of sequence changes on RNA splicing suggest that this variant is not likely to affect RNA splicing. In summary, the available evidence is currently insufficient to determine the role of this variant in disease. Therefore, it has been classified as a Variant of Uncertain Significance.

Literature cited by the submitters: PubMed 17576681; PubMed 9536098.